The following is an entry in ClinVar:

NM_001384474.1(LOXHD1):c.2720A>T (p.Asp907Val)

Gene: LOXHD1 (lipoxygenase homology PLAT domains 1; minus strand). Cytogenetic location: 18q21.1.
Variant type: single nucleotide variant.
Coding change: c.2720A>T on transcript NM_001384474.1 (MANE Select); coding-DNA position 2720, A replaced by T.
Protein change: p.Asp907Val; replaces aspartic acid 907 with valine.
Molecular consequence: missense variant.
Genome position (GRCh38, 1-based): chr18:46,560,424, T>A on the plus strand (A>T on the coding strand, the complement: LOXHD1 is on the minus strand). VCF-style: chr18-46560424-T-A. GRCh37 (hg19) VCF-style: chr18-44140387-T-A.
Other names: c.2720A>T, p.Asp907Val (NM_144612.7); short protein forms D907V.
Identifiers: ClinVar variation 1489334 (VCV001489334.3), dbSNP rs1188340764, ClinGen allele CA402371539.
Genomic context (GRCh38, chr18:46,560,424, plus strand): 5'-AGCAGCTGCCGCAGCTTGTCCTTCTCCTTCTTCTTCCGGGCCTCCTCCTCCGGCGTGAGG[T>A]CCACCTCCCGCACCACCAGGTGCCGCAGCCACACGGTGTCCACGAACCAGCTGGGCCCAA-3'
Protein context (NP_001371403.1, residues 897-917): WLRHLVVREV[Asp907Val]LTPEEEARKK

ClinVar aggregate classification (germline): Uncertain significance (1 of 4 stars; one submission).

Allele frequency attached by ClinVar (database versions not stated): TOPMed below 0.00001; gnomAD 0.00001; gnomAD exomes 0.00001.
gnomAD v4.1: 2 of 1,546,856 alleles (0.00013%); highest among the groups gnomAD compares: East Asian, 0.0049%; no homozygotes.

Submission:

Labcorp Genetics (formerly Invitae), Labcorp
Classification: Uncertain significance. Last evaluated: 2022-07-12. Review status: criteria provided, single submitter. Criteria: Invitae Variant Classification Sherloc (09022015). Collection method: clinical testing. Allele origin: germline.
Comment: This sequence change replaces aspartic acid, which is acidic and polar, with valine, which is neutral and non-polar, at codon 907 of the LOXHD1 protein (p.Asp907Val). This variant is present in population databases (no rsID available, gnomAD 0.02%). This variant has not been reported in the literature in individuals affected with LOXHD1-related conditions. ClinVar contains an entry for this variant (Variation ID: 1489334). Algorithms developed to predict the effect of missense changes on protein structure and function (SIFT, PolyPhen-2, Align-GVGD) all suggest that this variant is likely to be tolerated. In summary, the available evidence is currently insufficient to determine the role of this variant in disease. Therefore, it has been classified as a Variant of Uncertain Significance.